The following is an entry in ClinVar:

ClinVar aggregate classification (germline): Benign. Review status: criteria provided, multiple submitters, no conflicts (2 of 4 stars). 6 submissions from 5 submitters: Benign (6). Last evaluated 2022-03-15.

Conditions:
Fibromuscular dysplasia, multifocal. Identifiers: MedGen C5543412, MONDO:0859151, OMIM 619329.
Ehlers-Danlos syndrome, classic type, 1 (EDSCL1). Also called: Ehlers-Danlos Syndrome, Classic Type, COL5A1-Related; EHLERS-DANLOS SYNDROME, GRAVIS TYPE; EHLERS-DANLOS SYNDROME, SEVERE CLASSIC TYPE; Ehlers-Danlos syndrome, type 1; EDS I. Identifiers: MedGen C0268335, MONDO:0019567, OMIM 130000.

Allele frequency attached by ClinVar (database versions not stated): gnomAD 0.16289 and 0.16712; gnomAD exomes 0.12713 and 0.13007; 1000 Genomes Project 0.15296; ESP Exome Variant Server 0.17038; 1000 Genomes Project 30x 0.15334; ExAC 0.13494; TOPMed 0.16399.
gnomAD v4.1: 210,883 of 1,611,960 alleles (13%); highest among the groups gnomAD compares: African/African-American, 26%; 15,020 homozygotes.

Submissions (6):

Genome-Nilou Lab
Classification: Benign for Ehlers-Danlos syndrome, classic type, 1. Last evaluated: 2022-03-15. Review status: criteria provided, single submitter. Criteria: ACMG Guidelines, 2015. Collection method: clinical testing. Allele origin: germline. Affected: no.

Genome-Nilou Lab
Classification: Benign for Fibromuscular dysplasia, multifocal. Last evaluated: 2022-03-15. Review status: criteria provided, single submitter. Criteria: ACMG Guidelines, 2015. Collection method: clinical testing. Allele origin: germline. Affected: no.

GeneDx
Classification: Benign. Last evaluated: 2018-06-26. Review status: criteria provided, single submitter. Criteria: GeneDx Variant Classification Process June 2021. Collection method: clinical testing. Allele origin: germline. Affected: yes.

Women's Health and Genetics/Laboratory Corporation of America, LabCorp
Classification: Benign. Last evaluated: 2017-03-15. Review status: criteria provided, single submitter. Criteria: LabCorp Variant Classification Summary - May 2015. Collection method: clinical testing. Allele origin: germline.
Comment: Variant summary: The COL5A1 c.2431-25G>A variant involves the alteration of a non-conserved intronic nucleotide. One in silico tool predicts a benign outcome for this variant. 5/5 splice prediction tools predict no significant impact on normal splicing while ESE finder predicts the loss of a SRp40 binding motif. However, these predictions have yet to be confirmed by functional studies. This variant was found in 16316/120916 control chromosomes (1295 homozygotes) at a frequency of 0.1349367, which is approximately 107949 times the estimated maximal expected allele frequency of a pathogenic COL5A1 variant (0.0000013), suggesting this variant is likely a benign polymorphism. In addition, one clinical diagnostic laboratory and one reputable database classified this variant as benign. Taken together, this variant is classified as benign.

Breakthrough Genomics
Classification: Benign. Review status: criteria provided, single submitter. Criteria: ACMG Guidelines, 2015. Collection method: not provided. Allele origin: germline. Inheritance: Autosomal dominant inheritance. Affected: yes.

PreventionGenetics, part of Exact Sciences
Classification: Benign. Review status: criteria provided, single submitter. Criteria: ACMG Guidelines, 2015. Collection method: clinical testing. Allele origin: germline.

NM_000093.5(COL5A1):c.2431-25G>A

Gene: COL5A1 (collagen type V alpha 1 chain; plus strand). Cytogenetic location: 9q34.3.
Variant type: single nucleotide variant.
Coding change: c.2431-25G>A on transcript NM_000093.5 (MANE Select); 25 bases into the intron before coding-DNA position 2431, G replaced by A.
Molecular consequence: intron variant.
Genome position (GRCh38, 1-based): chr9:134,782,642, G>A. VCF-style: chr9-134782642-G-A. GRCh37 (hg19) VCF-style: chr9-137674488-G-A.
Other names: c.2431-25G>A (NM_001278074.1).
Identifiers: ClinVar variation 255062 (VCV000255062.6), dbSNP rs41310213, ClinGen allele CA5319367.